The following is an entry in ClinVar:

NM_001377540.1(SLMAP):c.1270A>G (p.Thr424Ala)

Gene: SLMAP (sarcolemma associated protein; plus strand). Cytogenetic location: 3p14.3.
Variant type: single nucleotide variant.
Coding change: c.1270A>G on transcript NM_001377540.1 (MANE Select); coding-DNA position 1270, A replaced by G.
Protein change: p.Thr424Ala; replaces threonine 424 with alanine.
Molecular consequence: missense variant. On other transcripts: non-coding transcript variant (1), intron variant (9).
Genome position (GRCh38, 1-based): chr3:57,871,668, A>G. VCF-style: chr3-57871668-A-G. GRCh37 (hg19) VCF-style: chr3-57857395-A-G.
Other names: c.1219A>G, p.Thr407Ala (NM_001304420.3, NM_001377541.1, NM_001377542.1 and 2 more transcripts); c.1270A>G, p.Thr424Ala (NM_001377538.1, NM_001377539.1, NM_001377555.1); c.1168A>G, p.Thr390Ala (NM_001377549.1, NM_001377923.1, NM_007159.5); c.1237+6376A>G (NM_001377545.1, NM_001377922.1); c.1186+6811A>G (NM_001377552.1, NM_001377551.1, NM_001377924.1); c.1135+6952A>G (NM_001377559.1, NM_001377557.1, NM_001377925.1 and 1 more transcripts); short protein forms T390A, T407A, T424A.
Identifiers: ClinVar variation 532110 (VCV000532110.8), dbSNP rs746146243, ClinGen allele CA2467069.

ClinVar aggregate classification (germline): Uncertain significance. Review status: criteria provided, multiple submitters, no conflicts (2 of 4 stars). 2 submissions from 2 submitters: Uncertain significance (2). Last evaluated 2025-10-13.

Conditions:
Brugada syndrome. Also called: Sudden Unexplained Death Syndrome; Sudden Unexplained Nocturnal Death Syndrome (SUNDS); Sudden unexplained nocturnal death syndrome; Sudden unexpected nocturnal death syndrome. Identifiers: Orphanet 130, MedGen C1142166, MONDO:0015263.

Allele frequency attached by ClinVar (database versions not stated): gnomAD exomes 0.00001; TOPMed 0.00001; ExAC 0.00002; gnomAD 0.00003.
gnomAD v4.1: 19 of 1,612,516 alleles (0.0012%); highest among the groups gnomAD compares: Non-Finnish European, 0.0015%; no homozygotes.

Submissions (2):

Labcorp Genetics (formerly Invitae), Labcorp
Classification: Uncertain significance for Brugada syndrome. Last evaluated: 2025-10-13. Review status: criteria provided, single submitter. Criteria: Invitae Variant Classification Sherloc (09022015). Collection method: clinical testing. Allele origin: germline.
Comment: This sequence change replaces threonine, which is neutral and polar, with alanine, which is neutral and non-polar, at codon 390 of the SLMAP protein (p.Thr390Ala). This variant is present in population databases (rs746146243, gnomAD 0.003%). This variant has not been reported in the literature in individuals affected with SLMAP-related conditions. ClinVar contains an entry for this variant (Variation ID: 532110). An algorithm developed to predict the effect of missense changes on protein structure and function (PolyPhen-2) suggests that this variant is likely to be tolerated. In summary, the available evidence is currently insufficient to determine the role of this variant in disease. Therefore, it has been classified as a Variant of Uncertain Significance.

Ambry Genetics
Classification: Uncertain significance. Last evaluated: 2025-04-13. Review status: criteria provided, single submitter. Criteria: Ambry Variant Classification Scheme 2023. Collection method: clinical testing. Allele origin: germline.
Comment: The p.T390A variant (also known as c.1168A>G), located in coding exon 11 of the SLMAP gene, results from an A to G substitution at nucleotide position 1168. The threonine at codon 390 is replaced by alanine, an amino acid with similar properties. This amino acid position is conserved. In addition, this alteration is predicted to be tolerated by in silico analysis. Since supporting evidence is limited at this time, the clinical significance of this alteration remains unclear.